The following is an entry in ClinVar:

ClinVar aggregate classification (germline): Likely benign (0 of 4 stars; one submission).

Conditions:
ACTN4-related disorder. Also called: ACTN4-related condition.

Allele frequency attached by ClinVar (database versions not stated): TOPMed below 0.00001; gnomAD 0.00002; ExAC 0.00007; 1000 Genomes Project 30x 0.00016; 1000 Genomes Project 0.00020.
gnomAD v4.1: 37 of 1,613,736 alleles (0.0023%); highest among the groups gnomAD compares: South Asian, 0.036%; 1 homozygote.

Submission:

PreventionGenetics, part of Exact Sciences
Classification: Likely benign for ACTN4-related condition. Last evaluated: 2022-05-10. Review status: no assertion criteria provided. Collection method: clinical testing. Allele origin: germline.
Comment: This variant is classified as likely benign based on ACMG/AMP sequence variant interpretation guidelines (Richards et al. 2015 PMID: 25741868, with internal and published modifications).

NM_004924.6(ACTN4):c.912+6T>A

Gene: ACTN4 (actinin alpha 4; plus strand). Cytogenetic location: 19q13.2.
Variant type: single nucleotide variant.
Coding change: c.912+6T>A on transcript NM_004924.6 (MANE Select); 6 bases into the intron after coding-DNA position 912, T replaced by A.
Molecular consequence: intron variant.
Genome position (GRCh38, 1-based): chr19:38,714,567, T>A. VCF-style: chr19-38714567-T-A. GRCh37 (hg19) VCF-style: chr19-39205207-T-A.
Other names: c.912+6T>A (NM_001411143.1, NM_001322033.2).
Identifiers: ClinVar variation 3036060 (VCV003036060.2), dbSNP rs557036181, ClinGen allele CA9417476.
Genomic context (GRCh38, chr19:38,714,567, plus strand): 5'-TGTCAACCAAGAGAACGAGCACCTGATGGAGGACTACGAGAAGCTGGCCAGCGACGTGAG[T>A]GTTCCCCCAGTGAAAGTCAGGGCCACCTCATTATCCTCAGCCAGAGGTCACTGTGACTCT-3'